The following is an entry in ClinVar:

ClinVar aggregate classification (germline): Uncertain significance (1 of 4 stars; one submission).

Submission:

Labcorp Genetics (formerly Invitae), Labcorp
Classification: Uncertain significance. Last evaluated: 2022-07-06. Review status: criteria provided, single submitter. Criteria: Invitae Variant Classification Sherloc (09022015). Collection method: clinical testing. Allele origin: germline.
Comment: This sequence change replaces leucine, which is neutral and non-polar, with valine, which is neutral and non-polar, at codon 243 of the RFWD3 protein (p.Leu243Val). This variant has not been reported in the literature in individuals affected with RFWD3-related conditions. Algorithms developed to predict the effect of missense changes on protein structure and function output the following: SIFT: "Tolerated"; PolyPhen-2: "Benign"; Align-GVGD: "Class C0". The valine amino acid residue is found in multiple mammalian species, which suggests that this missense change does not adversely affect protein function. In summary, the available evidence is currently insufficient to determine the role of this variant in disease. Therefore, it has been classified as a Variant of Uncertain Significance. This variant is not present in population databases (gnomAD no frequency).

NM_018124.4(RFWD3):c.727C>G (p.Leu243Val)

Gene: RFWD3 (ring finger and WD repeat domain 3; minus strand). Cytogenetic location: 16q23.1.
Variant type: single nucleotide variant.
Coding change: c.727C>G on transcript NM_018124.4 (MANE Select); coding-DNA position 727, C replaced by G.
Protein change: p.Leu243Val; replaces leucine 243 with valine.
Molecular consequence: missense variant. On other transcripts: 5 prime UTR variant (3), intron variant (2).
Genome position (GRCh38, 1-based): chr16:74,649,197, G>C on the plus strand (C>G on the coding strand, the complement: RFWD3 is on the minus strand). VCF-style: chr16-74649197-G-C. GRCh37 (hg19) VCF-style: chr16-74683095-G-C.
Other names: c.727C>G, p.Leu243Val (NM_001370534.1, NM_001370535.1, NM_001370536.1); c.-282C>G (NM_001370537.1); c.-108C>G (NM_001370539.1, NM_001370540.1, NM_001370541.1); c.-43+2723C>G (NM_001370543.1); c.-164-119C>G (NM_001370542.1); short protein forms L243V.
Identifiers: ClinVar variation 2117142 (VCV002117142.4), dbSNP rs1460272665, ClinGen allele CA396763281.
Genomic context (GRCh38, chr16:74,649,197, plus strand): 5'-TGGGGAGGGTCTTGCCTCCATCGATACATGTAACTTCTTGCTCTGCTGAGACACCTGCTA[G>C]TTGCTCTGCCAAGTCATTTCCAGAAATGACAGGAGAGGTAAAATACAAAATAAGATATGT-3'
Protein context (NP_060594.3, residues 233-253): ESGAVILEEQ[Leu243Val]AGVSAEQEVT